The following is an entry in ClinVar:

ClinVar aggregate classification (germline): Benign/Likely benign. Review status: criteria provided, multiple submitters, no conflicts (2 of 4 stars). 9 submissions from 9 submitters: Benign (7); Likely benign (1). 1 of the submissions does not count toward it. Last evaluated 2026-02-04.

Conditions:
Chronic granulomatous disease. Identifiers: Orphanet 379, MedGen C0018203, MONDO:0018305.
Granulomatous disease, chronic, autosomal recessive, cytochrome b-negative. Also called: Chronic granulomatous disease, autosomal, due to deficiency of CYBA; GRANULOMATOUS DISEASE, CHRONIC, AUTOSOMAL RECESSIVE, 4; CGD DUE TO DEFICIENCY OF THE ALPHA SUBUNIT OF CYTOCHROME b; CGD, AUTOSOMAL RECESSIVE CYTOCHROME b-NEGATIVE; CYBA DEFICIENCY. Identifiers: Orphanet 379, MedGen C1856255, MONDO:0009308, OMIM 233690.

Allele frequency attached by ClinVar (database versions not stated): 1000 Genomes Project 30x 0.99453; 1000 Genomes Project 0.99561; TOPMed 0.99619; ESP Exome Variant Server 0.99722; ExAC 0.99905; gnomAD exomes 0.99925.
gnomAD v4.1: 1,595,267 of 1,596,232 alleles (100%); highest among the groups gnomAD compares: East Asian, 100%; 797,163 homozygotes.

Submissions (9):

Labcorp Genetics (formerly Invitae), Labcorp
Classification: Benign for Granulomatous disease, chronic, autosomal recessive, cytochrome b-negative. Last evaluated: 2026-02-04. Review status: criteria provided, single submitter. Criteria: Invitae Variant Classification Sherloc (09022015). Collection method: clinical testing. Allele origin: germline.

Women's Health and Genetics/Laboratory Corporation of America, LabCorp
Classification: Benign. Last evaluated: 2026-01-21. Review status: criteria provided, single submitter. Criteria: LabCorp Variant Classification Summary - May 2015. Collection method: clinical testing. Allele origin: germline.

Blueprint Genetics
Classification: Likely benign. Last evaluated: 2024-11-27. Review status: criteria provided, single submitter. Criteria: ACMG Guidelines, 2015. Collection method: clinical testing. Allele origin: germline.

Mayo Clinic Laboratories, Mayo Clinic
Classification: Benign. Last evaluated: 2024-09-23. Review status: criteria provided, single submitter. Criteria: ACMG Guidelines, 2015. Collection method: clinical testing. Allele origin: germline. Observed: 357 variant alleles.
Comment: BS1, BS2, BP4, BP7

Unidad de Genómica Garrahan, Hospital de Pediatría Garrahan
Classification: Benign. Last evaluated: 2024-01-24. Review status: criteria provided, single submitter. Criteria: ACMG Guidelines, 2015. Collection method: clinical testing. Allele origin: germline. Affected: no. Observed: 95 variant alleles.
Comment: This variant is classified as Benign based on local population frequency. This variant was detected in 100% of patients studied by a panel of primary immunodeficiencies. Number of patients: 95. Only high quality variants are reported.

Genome-Nilou Lab
Classification: Benign for Granulomatous disease, chronic, autosomal recessive, cytochrome b-negative. Last evaluated: 2021-06-10. Review status: criteria provided, single submitter. Criteria: ACMG Guidelines, 2015. Collection method: clinical testing. Allele origin: germline. Affected: no.

GeneDx
Classification: Benign. Last evaluated: 2015-03-03. Review status: criteria provided, single submitter. Criteria: GeneDx Variant Classification Process June 2021. Collection method: clinical testing. Allele origin: germline. Affected: yes.

Breakthrough Genomics
Classification: Benign. Review status: criteria provided, single submitter. Criteria: ACMG Guidelines, 2015. Collection method: not provided. Allele origin: germline. Inheritance: Autosomal recessive inheritance. Affected: yes.

Natera, Inc.
Classification: Benign for Chronic granulomatous disease. Last evaluated: 2020-01-11. Review status: no assertion criteria provided. Collection method: clinical testing. Allele origin: germline. Not counted in ClinVar's aggregate classification.

NM_000101.4(CYBA):c.36A>G (p.Glu12=)

Gene: CYBA (cytochrome b-245 alpha chain; minus strand). Cytogenetic location: 16q24.2.
Variant type: single nucleotide variant.
Coding change: c.36A>G on transcript NM_000101.4 (MANE Select); coding-DNA position 36, A replaced by G.
Protein change: p.Glu12=; no amino-acid change (glutamic acid 12 retained).
Molecular consequence: synonymous variant.
Genome position (GRCh38, 1-based): chr16:88,650,978, T>C on the plus strand (A>G on the coding strand, the complement: CYBA is on the minus strand). VCF-style: chr16-88650978-T-C. GRCh37 (hg19) VCF-style: chr16-88717386-T-C.
Other names: p.Glu12=; c.36A>G (NM_000101.2).
Identifiers: ClinVar variation 1168658 (VCV001168658.20), dbSNP rs8053867, ClinGen allele CA8228529.
Genomic context (GRCh38, chr16:88,650,978, plus strand): 5'-CCAGGCTGCAGCCTCCACCGTCCCTGACGTGCACTCACTCAGGCCGGACGCCAGCGCCTG[T>C]TCGTTGGCCCACATGGCCCACTCGATCTGCCCCATGGCGACACGAACCCGGCTGGGACAC-3'
Protein context (NP_000092.2, residues 2-22): GQIEWAMWAN[Glu12=]QALASGLILI